The following is an entry in ClinVar:

NM_002435.3(MPI):c.819C>T (p.Asn273=)

Gene: MPI (mannose phosphate isomerase; plus strand). Cytogenetic location: 15q24.1.
Variant type: single nucleotide variant.
Coding change: c.819C>T on transcript NM_002435.3 (MANE Select); coding-DNA position 819, C replaced by T.
Protein change: p.Asn273=; no amino-acid change (asparagine 273 retained).
Molecular consequence: synonymous variant.
Genome position (GRCh38, 1-based): chr15:74,896,300, C>T. VCF-style: chr15-74896300-C-T. GRCh37 (hg19) VCF-style: chr15-75188641-C-T.
Other names: c.819C>T, p.Asn273= (NM_001289155.2); c.669C>T, p.Asn223= (NM_001289156.2); c.636C>T, p.Asn212= (NM_001289157.2); c.759C>T, p.Asn253= (NM_001330372.2).
Identifiers: ClinVar variation 509551 (VCV000509551.23), dbSNP rs576592379, ClinGen allele CA7662547.

ClinVar aggregate classification (germline): Likely benign. Review status: criteria provided, multiple submitters, no conflicts (2 of 4 stars). 5 submissions from 5 submitters: Likely benign (4). 1 of the submissions does not count toward it. Last evaluated 2025-12-05.

Conditions:
MPI-related disorder. Also called: MPI-related condition.
MPI-congenital disorder of glycosylation. Also called: MPI-CDG; CONGENITAL DISORDER OF GLYCOSYLATION, TYPE Ib; MPI DEFICIENCY; CDG Ib; MANNOSEPHOSPHATE ISOMERASE DEFICIENCY; PROTEIN-LOSING ENTEROPATHY-HEPATIC FIBROSIS SYNDROME. Identifiers: Orphanet 79319, MedGen C1865145, MONDO:0011257, OMIM 602579.

Allele frequency attached by ClinVar (database versions not stated): ExAC 0.00020; TOPMed 0.00021; gnomAD exomes 0.00026; gnomAD 0.00027 and 0.00029; 1000 Genomes Project 30x 0.00016; 1000 Genomes Project 0.00020.
gnomAD v4.1: 458 of 1,614,180 alleles (0.028%); highest among the groups gnomAD compares: Admixed American, 0.063%; no homozygotes.

Submissions (5):

Labcorp Genetics (formerly Invitae), Labcorp
Classification: Likely benign for MPI-congenital disorder of glycosylation. Last evaluated: 2025-12-05. Review status: criteria provided, single submitter. Criteria: Invitae Variant Classification Sherloc (09022015). Collection method: clinical testing. Allele origin: germline.

CeGaT Center for Human Genetics Tuebingen
Classification: Likely benign. Last evaluated: 2025-07-01. Review status: criteria provided, single submitter. Criteria: CeGaT Center For Human Genetics Tuebingen Variant Classification Criteria Version 2. Collection method: clinical testing. Allele origin: germline. Affected: yes. Observed: 1 variant allele.
Comment: MPI: BP4, BP7

GeneDx
Classification: Likely benign. Last evaluated: 2018-01-29. Review status: criteria provided, single submitter. Criteria: GeneDx Variant Classification (06012015). Collection method: clinical testing. Allele origin: germline. Affected: yes.
Comment: This variant is considered likely benign or benign based on one or more of the following criteria: it is a conservative change, it occurs at a poorly conserved position in the protein, it is predicted to be benign by multiple in silico algorithms, and/or has population frequency not consistent with disease.

Breakthrough Genomics
Classification: Likely benign. Review status: criteria provided, single submitter. Criteria: ACMG Guidelines, 2015. Collection method: not provided. Allele origin: germline. Inheritance: Autosomal recessive inheritance. Affected: yes.

PreventionGenetics, part of Exact Sciences
Classification: Likely benign for MPI-related condition. Last evaluated: 2019-11-12. Review status: no assertion criteria provided. Collection method: clinical testing. Allele origin: germline. Not counted in ClinVar's aggregate classification.
Comment: This variant is classified as likely benign based on ACMG/AMP sequence variant interpretation guidelines (Richards et al. 2015 PMID: 25741868, with internal and published modifications).